The following is an entry in ClinVar:

NM_000090.4(COL3A1):c.662_663dup (p.Gly222Ter)

Gene: COL3A1 (collagen type III alpha 1 chain; plus strand). Cytogenetic location: 2q32.2.
Variant type: Microsatellite.
Coding change: c.662_663dup on transcript NM_000090.4 (MANE Select); coding-DNA positions 662 to 663, 2 bases duplicated (TA; older notation c.662_663dupTA).
Protein change: p.Gly222Ter; replaces glycine 222 with a stop codon.
Molecular consequence: nonsense.
Genome position (GRCh38, 1-based): chr2:188,989,421-188,989,422, TA duplicated; duplicating any 2 consecutive bases within chr2:188,989,419-188,989,422 gives the same sequence; the c. name uses the placement nearest the transcript's 3' end. VCF-style (leftmost placement, unchanged base first): chr2-188989418-C-CTA. GRCh37 (hg19) VCF-style: chr2-189854144-C-CTA.
Other names: short protein forms G222*.
Identifiers: ClinVar variation 2832864 (VCV002832864.3), dbSNP rs2469116583, ClinGen allele CA2739278522.

ClinVar aggregate classification (germline): Pathogenic (1 of 4 stars; one submission).

Conditions:
Ehlers-Danlos syndrome, type 4 (EDSVASC). Also called: Ehlers-Danlos syndrome vascular type; Ehlers Danlos syndrome, ecchymotic type; Ehlers Danlos syndrome, arterial type; Ehlers Danlos syndrome, Sack-Barabas type; Ehlers-Danlos Syndrome Type IV. Identifiers: Orphanet 286, MedGen C0268338, MONDO:0017314, OMIM 130050.

Submission:

Labcorp Genetics (formerly Invitae), Labcorp
Classification: Pathogenic for Ehlers-Danlos syndrome, type 4. Last evaluated: 2023-05-28. Review status: criteria provided, single submitter. Criteria: Invitae Variant Classification Sherloc (09022015). Collection method: clinical testing. Allele origin: germline.
Comment: This sequence change creates a premature translational stop signal (p.Gly222*) in the COL3A1 gene. It is expected to result in an absent or disrupted protein product. Loss-of-function variants in COL3A1 are known to be pathogenic (PMID: 24922459). For these reasons, this variant has been classified as Pathogenic. This variant has not been reported in the literature in individuals affected with COL3A1-related conditions. This variant is not present in population databases (gnomAD no frequency).

Literature cited by the submitters: PubMed 24922459.